The following is an entry in ClinVar:

ClinVar aggregate classification (germline): Pathogenic (1 of 4 stars; one submission).

Conditions:
Fanconi anemia complementation group J. Also called: BRIP1-Related Fanconi Anemia. Identifiers: Orphanet 84, MedGen C1836860, MONDO:0012187, OMIM 609054.
Familial cancer of breast. Also called: Hereditary breast cancer; hereditary breast carcinoma; BREAST CANCER, FAMILIAL. Identifiers: Orphanet 227535, MedGen C0346153, MONDO:0016419, OMIM 114480. Disease mechanism: loss of function.

Submission:

Labcorp Genetics (formerly Invitae), Labcorp
Classification: Pathogenic for Familial cancer of breast; Fanconi anemia complementation group J. Last evaluated: 2025-03-13. Review status: criteria provided, single submitter. Criteria: Invitae Variant Classification Sherloc (09022015). Collection method: clinical testing. Allele origin: germline.
Comment: This sequence change creates a premature translational stop signal (p.Tyr455*) in the BRIP1 gene. It is expected to result in an absent or disrupted protein product. Loss-of-function variants in BRIP1 are known to be pathogenic (PMID: 16116423, 17033622, 21964575). This variant is not present in population databases (gnomAD no frequency). This variant has not been reported in the literature in individuals affected with BRIP1-related conditions. For these reasons, this variant has been classified as Pathogenic.

Literature cited by the submitters: PubMed 16116423; PubMed 17033622; PubMed 21964575.

NM_032043.3(BRIP1):c.1365T>A (p.Tyr455Ter)

Gene: BRIP1 (BRCA1 interacting DNA helicase 1; minus strand). Cytogenetic location: 17q23.2.
Variant type: single nucleotide variant.
Coding change: c.1365T>A on transcript NM_032043.3 (MANE Select); coding-DNA position 1365, T replaced by A.
Protein change: p.Tyr455Ter; replaces tyrosine 455 with a stop codon.
Molecular consequence: nonsense.
Genome position (GRCh38, 1-based): chr17:61,793,705, A>T on the plus strand (T>A on the coding strand, the complement: BRIP1 is on the minus strand). VCF-style: chr17-61793705-A-T. GRCh37 (hg19) VCF-style: chr17-59871066-A-T.
Other names: short protein forms Y455*.
Identifiers: ClinVar variation 4784429 (VCV004784429.1).
Genomic context (GRCh38, chr17:61,793,705, plus strand): 5'-TAAGAGCATTTCATTTCCACTCCATATTTTACAAGCTGATTCATAATCTCTTTCTACAAG[A>T]TATTCAGCGTTTGCTTCTAACCAACTGAAATAAAATAAAACAATTGTGTCAACCAGTATC-3'